The following is an entry in ClinVar:

NM_138792.4(LEO1):c.190G>T (p.Asp64Tyr)

Gene: LEO1 (LEO1 homolog, Paf1/RNA polymerase II complex component; minus strand). Cytogenetic location: 15q21.2.
Variant type: single nucleotide variant.
Coding change: c.190G>T on transcript NM_138792.4 (MANE Select); coding-DNA position 190, G replaced by T.
Protein change: p.Asp64Tyr; replaces aspartic acid 64 with tyrosine.
Molecular consequence: missense variant.
Genome position (GRCh38, 1-based): chr15:51,966,373, C>A on the plus strand (G>T on the coding strand, the complement: LEO1 is on the minus strand). VCF-style: chr15-51966373-C-A. GRCh37 (hg19) VCF-style: chr15-52258570-C-A.
Other names: c.190G>T, p.Asp64Tyr (NM_001286430.2, NM_001323903.2, NM_001323904.2); c.190G>T (NM_001323903.1); short protein forms D64Y.
Identifiers: ClinVar variation 2367079 (VCV002367079.4), dbSNP rs138450382, ClinGen allele CA7564729.

ClinVar aggregate classification (germline): Uncertain significance. Review status: criteria provided, single submitter (1 of 4 stars). 2 submissions from 2 submitters: Uncertain significance (1). 1 of the submissions does not count toward it. Last evaluated 2021-08-17.

Conditions:
LEO1-related disorder. Also called: LEO1-related condition.

Allele frequency attached by ClinVar (database versions not stated): gnomAD exomes 0.00006; ExAC 0.00016; ESP Exome Variant Server 0.00039; 1000 Genomes Project 0.00060; gnomAD 0.00060; TOPMed 0.00064; 1000 Genomes Project 30x 0.00078.
gnomAD v4.1: 181 of 1,614,108 alleles (0.011%); highest among the groups gnomAD compares: African/African-American, 0.22%; no homozygotes.

Submissions (2):

Ambry Genetics
Classification: Uncertain significance. Last evaluated: 2021-08-17. Review status: criteria provided, single submitter. Criteria: Ambry Variant Classification Scheme 2023. Collection method: clinical testing. Allele origin: germline.

PreventionGenetics, part of Exact Sciences
Classification: Likely benign for LEO1-related condition. Last evaluated: 2022-05-31. Review status: no assertion criteria provided. Collection method: clinical testing. Allele origin: germline. Not counted in ClinVar's aggregate classification.
Comment: This variant is classified as likely benign based on ACMG/AMP sequence variant interpretation guidelines (Richards et al. 2015 PMID: 25741868, with internal and published modifications).